The following is an entry in ClinVar:

ClinVar aggregate classification (germline): Uncertain significance (1 of 4 stars; one submission).

Conditions:
Hereditary cancer-predisposing syndrome. Also called: Tumor predisposition; Neoplastic Syndromes, Hereditary; Hereditary neoplastic syndrome; Hereditary Cancer Syndrome. Identifiers: Orphanet 140162, MedGen C0027672, MeSH D009386, MONDO:0015356.

Submission:

Ambry Genetics
Classification: Uncertain significance for Hereditary cancer-predisposing syndrome. Last evaluated: 2024-10-25. Review status: criteria provided, single submitter. Criteria: Ambry Variant Classification Scheme 2023. Collection method: clinical testing. Allele origin: germline.
Comment: The c.3169-3C>T intronic variant results from a C to T substitution 3 nucleotides upstream from coding exon 22 in the SMARCA4 gene. This nucleotide position is highly conserved in available vertebrate species. In silico splice site analysis predicts that this alteration will not have any significant effect on splicing. Based on the available evidence, the clinical significance of this variant remains unclear.

NM_003072.5(SMARCA4):c.3169-3C>T

Gene: SMARCA4 (SWI/SNF related BAF chromatin remodeling complex subunit ATPase 4; plus strand). Cytogenetic location: 19p13.2.
Variant type: single nucleotide variant.
Coding change: c.3169-3C>T on transcript NM_003072.5 (MANE Select); 3 bases into the intron before coding-DNA position 3169, C replaced by T.
Molecular consequence: intron variant.
Genome position (GRCh38, 1-based): chr19:11,026,297, C>T. VCF-style: chr19-11026297-C-T. GRCh37 (hg19) VCF-style: chr19-11136973-C-T.
Other names: c.3169-3C>T (NM_001128844.3, NM_001128849.3, NM_001128847.4 and 6 more transcripts).
Identifiers: ClinVar variation 3445958 (VCV003445958.1).
Genomic context (GRCh38, chr19:11,026,297, plus strand): 5'-ACCGCAGCGGGGCCCGGTGGCCTGCTCCTGCCTGTCACTGACCCCTCTCTCCTTGCCTTG[C>T]AGGAGTCCTTTTCCGAGCACTTGGGGTTCACTGGCGGCATTGTCCAAGGGTGAGAAGCTT-3'